The following is an entry in ClinVar:

ClinVar aggregate classification (germline): Conflicting classifications of pathogenicity. Review status: criteria provided, conflicting classifications (1 of 4 stars). 3 submissions from 3 submitters: Uncertain significance (1); Benign (1). 1 of the submissions does not count toward it. Last evaluated 2026-01-28.

Conditions:
Iodotyrosyl coupling defect (TDH3). Also called: HYPOTHYROIDISM, CONGENITAL, DUE TO DYSHORMONOGENESIS, 3; THYROID HORMONOGENESIS, GENETIC DEFECT IN, 3. Identifiers: Orphanet 95716, MedGen C0342194, MONDO:0010135, OMIM 274700.
TG-related disorder. Also called: TG-related condition; TG-related disorders.

Allele frequency attached by ClinVar (database versions not stated): gnomAD 0.00416 and 0.00443; TOPMed 0.00439; ESP Exome Variant Server 0.00454; 1000 Genomes Project 0.00459; 1000 Genomes Project 30x 0.00468; gnomAD exomes 0.00112; ExAC 0.00155.
gnomAD v4.1: 1,224 of 1,613,980 alleles (0.076%); highest among the groups gnomAD compares: African/African-American, 1.4%; 9 homozygotes.

Submissions (3):

Labcorp Genetics (formerly Invitae), Labcorp
Classification: Benign. Last evaluated: 2026-01-28. Review status: criteria provided, single submitter. Criteria: Invitae Variant Classification Sherloc (09022015). Collection method: clinical testing. Allele origin: germline.

Illumina Laboratory Services, Illumina
Classification: Uncertain significance for Iodotyrosyl coupling defect. Last evaluated: 2018-01-13. Review status: criteria provided, single submitter. Criteria: ICSL Variant Classification Criteria 13 December 2019. Collection method: clinical testing. Allele origin: germline.

PreventionGenetics, part of Exact Sciences
Classification: Likely benign for TG-related condition. Last evaluated: 2020-04-13. Review status: no assertion criteria provided. Collection method: clinical testing. Allele origin: germline. Not counted in ClinVar's aggregate classification.
Comment: This variant is classified as likely benign based on ACMG/AMP sequence variant interpretation guidelines (Richards et al. 2015 PMID: 25741868, with internal and published modifications).

NM_003235.5(TG):c.3313G>A (p.Val1105Ile)

Gene: TG (thyroglobulin; plus strand). Cytogenetic location: 8q24.22.
Variant type: single nucleotide variant.
Coding change: c.3313G>A on transcript NM_003235.5 (MANE Select); coding-DNA position 3313, G replaced by A.
Protein change: p.Val1105Ile; replaces valine 1105 with isoleucine.
Molecular consequence: missense variant.
Genome position (GRCh38, 1-based): chr8:132,898,893, G>A. VCF-style: chr8-132898893-G-A. GRCh37 (hg19) VCF-style: chr8-133911138-G-A.
Other names: short protein forms V1105I.
Identifiers: ClinVar variation 712478 (VCV000712478.13), dbSNP rs115670342, ClinGen allele CA4883706.